The following is an entry in ClinVar:

NM_021020.5(LZTS1):c.793G>A (p.Glu265Lys)

Gene: LZTS1 (leucine zipper tumor suppressor 1; minus strand). Cytogenetic location: 8p21.3.
Variant type: single nucleotide variant.
Coding change: c.793G>A on transcript NM_021020.5 (MANE Select); coding-DNA position 793, G replaced by A.
Protein change: p.Glu265Lys; replaces glutamic acid 265 with lysine.
Molecular consequence: missense variant.
Genome position (GRCh38, 1-based): chr8:20,253,138, C>T on the plus strand (G>A on the coding strand, the complement: LZTS1 is on the minus strand). VCF-style: chr8-20253138-C-T. GRCh37 (hg19) VCF-style: chr8-20110649-C-T.
Other names: c.793G>A, p.Glu265Lys (NM_001362884.2); short protein forms E265K.
Identifiers: ClinVar variation 4764967 (VCV004764967.1).

ClinVar aggregate classification (germline): Uncertain significance (1 of 4 stars; one submission).

Submission:

Labcorp Genetics (formerly Invitae), Labcorp
Classification: Uncertain significance. Last evaluated: 2025-11-06. Review status: criteria provided, single submitter. Criteria: Invitae Variant Classification Sherloc (09022015). Collection method: clinical testing. Allele origin: germline.
Comment: This sequence change replaces glutamic acid, which is acidic and polar, with lysine, which is basic and polar, at codon 265 of the LZTS1 protein (p.Glu265Lys). This variant is not present in population databases (gnomAD no frequency). This variant has not been reported in the literature in individuals affected with LZTS1-related conditions. Invitae Evidence Modeling of protein sequence and biophysical properties (such as structural, functional, and spatial information, amino acid conservation, physicochemical variation, residue mobility, and thermodynamic stability) indicates that this missense variant is not expected to disrupt LZTS1 protein function with a negative predictive value of 80%. In summary, the available evidence is currently insufficient to determine the role of this variant in disease. Therefore, it has been classified as a Variant of Uncertain Significance.